The following is an entry in ClinVar:

ClinVar aggregate classification (germline): Likely benign (0 of 4 stars; one submission).

Conditions:
RARS1-related disorder. Also called: RARS1-related condition.

gnomAD v4.1: 1 of 1,574,590 alleles (0.000064%); highest among the groups gnomAD compares: Non-Finnish European, 0.000086%; no homozygotes.

Submission:

PreventionGenetics, part of Exact Sciences
Classification: Likely benign for RARS1-related condition. Last evaluated: 2023-12-21. Review status: no assertion criteria provided. Collection method: clinical testing. Allele origin: germline.
Comment: This variant is classified as likely benign based on ACMG/AMP sequence variant interpretation guidelines (Richards et al. 2015 PMID: 25741868, with internal and published modifications).

NM_002887.4(RARS1):c.1221T>C (p.Val407=)

Gene: RARS1 (arginyl-tRNA synthetase 1; plus strand). Cytogenetic location: 5q34.
Variant type: single nucleotide variant.
Coding change: c.1221T>C on transcript NM_002887.4 (MANE Select); coding-DNA position 1221, T replaced by C.
Protein change: p.Val407=; no amino-acid change (valine 407 retained).
Molecular consequence: synonymous variant.
Genome position (GRCh38, 1-based): chr5:168,506,184, T>C. VCF-style: chr5-168506184-T-C. GRCh37 (hg19) VCF-style: chr5-167933189-T-C.
Identifiers: ClinVar variation 3052595 (VCV003052595.2), dbSNP rs1171896794, ClinGen allele CA447557520.